The following is an entry in ClinVar:

ClinVar aggregate classification (germline): Pathogenic/Likely pathogenic. Review status: criteria provided, multiple submitters, no conflicts (2 of 4 stars). 2 submissions from 2 submitters: Pathogenic (1); Likely pathogenic (1). Last evaluated 2025-07-29.

Conditions:
Glycine encephalopathy. Also called: Nonketotic hyperglycinemia; Non-ketotic hyperglycinemia. Identifiers: Orphanet 407, MedGen C0751748, MONDO:0011612, HP:0008288.

Submissions (2):

Natera, Inc.
Classification: Likely pathogenic for Non-ketotic hyperglycinemia. Last evaluated: 2025-07-29. Review status: criteria provided, single submitter. Criteria: Natera Variant Classification Schema (03/2026). Collection method: clinical testing. Allele origin: germline.
Comment: The c.708_709del variant in GLDC is a frameshift variant predicted to shift the reading frame beginning at codon 237 and leads to a stop codon 8 codons downstream. This variant is expected to result in nonsense mediated decay, truncation, or a dysfunctional protein product. This variant is rare in the general population with a frequency below the threshold expected for the associated phenotype(s). Given the available evidence, this variant is classified as Likely Pathogenic.

Labcorp Genetics (formerly Invitae), Labcorp
Classification: Pathogenic for Glycine encephalopathy. Last evaluated: 2025-07-09. Review status: criteria provided, single submitter. Criteria: Invitae Variant Classification Sherloc (09022015). Collection method: clinical testing. Allele origin: germline.
Comment: This sequence change creates a premature translational stop signal (p.Ala237Glnfs*8) in the GLDC gene. It is expected to result in an absent or disrupted protein product. Loss-of-function variants in GLDC are known to be pathogenic (PMID: 16601880). This variant is present in population databases (no rsID available, gnomAD 0.0009%). This variant has not been reported in the literature in individuals affected with GLDC-related conditions. ClinVar contains an entry for this variant (Variation ID: 1985176). Algorithms developed to predict the effect of sequence changes on RNA splicing suggest that this variant may disrupt the consensus splice site. For these reasons, this variant has been classified as Pathogenic.

Literature cited by the submitters: PubMed 16601880 (cited by Labcorp Genetics (formerly Invitae), Labcorp).

NM_000170.3(GLDC):c.708_709del (p.Ala237fs)

Gene: GLDC (glycine decarboxylase; minus strand). Cytogenetic location: 9p24.1.
Variant type: Deletion.
Coding change: c.708_709del on transcript NM_000170.3 (MANE Select); coding-DNA positions 708 to 709, 2 bases deleted (AG; older notation c.708_709delAG).
Protein change: p.Ala237fs; shifts the reading frame from alanine 237.
Molecular consequence: frameshift variant.
Genome position (GRCh38, 1-based): chr9:6,606,596-6,606,597, CT deleted on the plus strand (AG on the coding strand, the reverse complement: GLDC is on the minus strand); deleting any 2 consecutive bases within chr9:6,606,596-6,606,598 gives the same sequence; the c. name uses the placement nearest the transcript's 3' end. VCF-style (leftmost placement, unchanged base first): chr9-6606595-GCT-G. GRCh37 (hg19) VCF-style: chr9-6606595-GCT-G.
Other names: c.707_708delGA, p.Ala237Glnfs (NM_000170.2); c.708_709del (NM_000170.2); short protein forms A237fs.
Identifiers: ClinVar variation 1985176 (VCV001985176.6), dbSNP rs1313841674, ClinGen allele CA585769827.